The following is an entry in ClinVar:

ClinVar aggregate classification (germline): Uncertain significance (1 of 4 stars; one submission).

Allele frequency attached by ClinVar (database versions not stated): gnomAD exomes below 0.00001.

Submission:

Ambry Genetics
Classification: Uncertain significance. Last evaluated: 2022-08-07. Review status: criteria provided, single submitter. Criteria: Ambry Variant Classification Scheme 2023. Collection method: clinical testing. Allele origin: germline.
Comment: The p.S19C variant (also known as c.56C>G), located in coding exon 2 of the RAD54L gene, results from a C to G substitution at nucleotide position 56. The serine at codon 19 is replaced by cysteine, an amino acid with dissimilar properties. This amino acid position is conserved. In addition, this alteration is predicted to be tolerated by in silico analysis. Since supporting evidence is limited at this time, the clinical significance of this alteration remains unclear.

NM_003579.4(RAD54L):c.56C>G (p.Ser19Cys)

Gene: RAD54L (RAD54 like; plus strand). Cytogenetic location: 1p34.1.
Variant type: single nucleotide variant.
Coding change: c.56C>G on transcript NM_003579.4 (MANE Select); coding-DNA position 56, C replaced by G.
Protein change: p.Ser19Cys; replaces serine 19 with cysteine.
Molecular consequence: missense variant. On other transcripts: 5 prime UTR variant (1).
Genome position (GRCh38, 1-based): chr1:46,248,564, C>G. VCF-style: chr1-46248564-C-G. GRCh37 (hg19) VCF-style: chr1-46714236-C-G.
Other names: c.56C>G, p.Ser19Cys (NM_001142548.2); c.-485C>G (NM_001370766.1); short protein forms S19C.
Identifiers: ClinVar variation 1749149 (VCV001749149.2), dbSNP rs2148274463, ClinGen allele CA340174412.
Genomic context (GRCh38, chr1:46,248,564, plus strand): 5'-CTTTACAGAGGAGGAGCTTGGCTCCCAGCCAGCTGGCCAAGAGAAAACCTGAAGGCAGGT[C>G]CTGTGATGATGAAGACTGGCAACCTGGCCTAGTGGTGAGCACTCAAGGGGACAGGGAAGG-3'
Protein context (NP_003570.2, residues 9-29): QLAKRKPEGR[Ser19Cys]CDDEDWQPGL